The following is an entry in ClinVar:

NM_001009944.3(PKD1):c.6612_6613dup (p.Ala2205fs)

Gene: PKD1 (polycystin 1, transient receptor potential channel interacting; minus strand). Cytogenetic location: 16p13.3.
Variant type: Duplication.
Coding change: c.6612_6613dup on transcript NM_001009944.3 (MANE Select); coding-DNA positions 6612 to 6613, 2 bases duplicated (GG; older notation c.6612_6613dupGG).
Protein change: p.Ala2205fs; shifts the reading frame from alanine 2205.
Molecular consequence: frameshift variant.
Genome position (GRCh38, 1-based): chr16:2,108,554-2,108,555, CC duplicated on the plus strand (GG on the coding strand, the reverse complement: PKD1 is on the minus strand). VCF-style (leftmost placement, unchanged base first): chr16-2108553-G-GCC. GRCh37 (hg19) VCF-style: chr16-2158554-G-GCC.
Other names: c.6612_6613dup, p.Ala2205fs (NM_000296.4); c.6612_6613dupGG (NM_001009944.2); short protein forms A2205fs.
Identifiers: ClinVar variation 4998377 (VCV004998377.1).
Genomic context (GRCh38, chr16:2,108,553, plus strand): 5'-ACAGGCAGCGCCAGCCGCGGCAGCACCAGCCGAGGCCGGCTCACGTCCACGCCGGGCAGG[G>GCC]CCACACGCGCTGGGCGCCCCGGCCGCTGGCAGCTGGCGGTGCGATACACCTCCCAGCGGT-3'

ClinVar aggregate classification (germline): Pathogenic (1 of 4 stars; one submission).

Conditions:
PKD1-related disorder. Also called: PKD1-related condition.

Submission:

PreventionGenetics, part of Exact Sciences
Classification: Pathogenic for PKD1-related condition. Last evaluated: 2025-07-17. Review status: criteria provided, single submitter. Criteria: ACMG Guidelines, 2015. Collection method: clinical testing. Allele origin: germline.
Comment: The PKD1 c.6612_6613dupGG variant is predicted to result in a frameshift and premature protein termination (p.Ala2205Glyfs*8). To our knowledge, this variant has not been reported in the literature or in a large population database (gnomAD), indicating this variant is rare. Frameshift variants in PKD1 are expected to be pathogenic. This variant is interpreted as pathogenic.